The following is an entry in ClinVar:

NM_002382.5(MAX):c.295+6C>T

Gene: MAX (MYC associated transcriptional regulator X; minus strand). Cytogenetic location: 14q23.3.
Variant type: single nucleotide variant.
Coding change: c.295+6C>T on transcript NM_002382.5 (MANE Select); 6 bases into the intron after coding-DNA position 295, C replaced by T.
Molecular consequence: intron variant.
Genome position (GRCh38, 1-based): chr14:65,077,907, G>A on the plus strand (C>T on the coding strand, the complement: MAX is on the minus strand). VCF-style: chr14-65077907-G-A. GRCh37 (hg19) VCF-style: chr14-65544625-G-A.
Other names: c.144+15801C>T (NM_001271069.2); c.171+15801C>T (NM_197957.4); c.268+6C>T (NM_145112.3); c.21+6C>T (NM_001320415.2); c.295+6C>T (NM_145113.3).
Identifiers: ClinVar variation 404104 (VCV000404104.11), dbSNP rs146552320, ClinGen allele CA7232907.

ClinVar aggregate classification (germline): Likely benign. Review status: criteria provided, multiple submitters, no conflicts (2 of 4 stars). 3 submissions from 3 submitters: Likely benign (3). Last evaluated 2026-06-08.

Conditions:
MAX-related disorder. Also called: MAX-related condition.
Hereditary pheochromocytoma and paraganglioma. Also called: Hereditary Paraganglioma-Pheochromocytoma Syndromes; Hereditary paragangliomas and pheochromocytomas; Hereditary pheochromocytoma-paraganglioma. Identifiers: Orphanet 29072, MedGen C4274332, MONDO:0017366.
Pheochromocytoma. Also called: MAX-Related Hereditary Paraganglioma-Pheochromocytoma Syndrome. Identifiers: Orphanet 29072, MedGen C0031511, MONDO:0008233, OMIM 171300, HP:0002666.

Allele frequency attached by ClinVar (database versions not stated): ExAC 0.00001; gnomAD exomes 0.00001 and 0.00002; ESP Exome Variant Server 0.00008.

Submissions (3):

Myriad Genetics, Inc.
Classification: Likely benign for Pheochromocytoma. Last evaluated: 2026-06-08. Review status: criteria provided, single submitter. Criteria: Myriad Autosomal Dominant, Autosomal Recessive and X-Linked Classification Criteria (2023). Collection method: clinical testing. Allele origin: unknown.
Comment: This variant is considered likely benign. This variant is intronic and is not expected to impact mRNA splicing.

Labcorp Genetics (formerly Invitae), Labcorp
Classification: Likely benign for Hereditary pheochromocytoma and paraganglioma. Last evaluated: 2026-01-28. Review status: criteria provided, single submitter. Criteria: Invitae Variant Classification Sherloc (09022015). Collection method: clinical testing. Allele origin: germline.

PreventionGenetics, part of Exact Sciences
Classification: Likely benign for MAX-related condition. Last evaluated: 2025-12-01. Review status: criteria provided, single submitter. Criteria: ACMG Guidelines, 2015. Collection method: clinical testing. Allele origin: germline.
Comment: This variant is classified as likely benign based on ACMG/AMP sequence variant interpretation guidelines (Richards et al. 2015 PMID: 25741868, with internal and published modifications).